The following is an entry in ClinVar:

NM_000628.5(IL10RB):c.691G>A (p.Val231Ile)

Genes: IFNAR2-IL10RB (IFNAR2-IL10RB readthrough; plus strand), IL10RB (interleukin 10 receptor subunit beta; plus strand). Cytogenetic location: 21q22.11.
Variant type: single nucleotide variant.
Coding change: c.691G>A on transcript NM_000628.5 (MANE Select); coding-DNA position 691, G replaced by A.
Protein change: p.Val231Ile; replaces valine 231 with isoleucine.
Molecular consequence: missense variant. On other transcripts: non-coding transcript variant (1), intron variant (1).
Genome position (GRCh38, 1-based): chr21:33,288,148, G>A. VCF-style: chr21-33288148-G-A. GRCh37 (hg19) VCF-style: chr21-34660453-G-A.
Other names: c.1351G>A, p.Val451Ile (NM_001414505.1); c.691G>A, p.Val231Ile (NM_001405849.1, NM_001405850.1); c.646+4907G>A (NM_001406840.1); short protein forms V451I, V231I.
Identifiers: ClinVar variation 2799559 (VCV002799559.3), dbSNP rs2516805283, ClinGen allele CA410111425.
Genomic context (GRCh38, chr21:33,288,148, plus strand): 5'-CCATTACCCCTGGCAGAAACGGTCCCCTCCTGGATGGTGGCCGTCATCCTCATGGCCTCG[G>A]TCTTCATGGTCTGCCTGGCACTCCTCGGCTGCTTCGCCTTGCTGTGGTGCGTTTACAAGA-3'
Protein context (NP_000619.3, residues 221-241): WMVAVILMAS[Val231Ile]FMVCLALLGC

ClinVar aggregate classification (germline): Uncertain significance (1 of 4 stars; one submission).

Conditions:
Inflammatory bowel disease 25. Also called: Inflammatory bowel disease 25, early onset, autosomal recessive. Identifiers: Orphanet 238569, MedGen C2675508, MONDO:0012941, OMIM 612567.

Submission:

Labcorp Genetics (formerly Invitae), Labcorp
Classification: Uncertain significance for Inflammatory bowel disease 25. Last evaluated: 2023-03-17. Review status: criteria provided, single submitter. Criteria: Invitae Variant Classification Sherloc (09022015). Collection method: clinical testing. Allele origin: germline.
Comment: In summary, the available evidence is currently insufficient to determine the role of this variant in disease. Therefore, it has been classified as a Variant of Uncertain Significance. Advanced modeling of protein sequence and biophysical properties (such as structural, functional, and spatial information, amino acid conservation, physicochemical variation, residue mobility, and thermodynamic stability) performed at Invitae indicates that this missense variant is not expected to disrupt IL10RB protein function. This variant has not been reported in the literature in individuals affected with IL10RB-related conditions. This variant is not present in population databases (gnomAD no frequency). This sequence change replaces valine, which is neutral and non-polar, with isoleucine, which is neutral and non-polar, at codon 231 of the IL10RB protein (p.Val231Ile).